The following is an entry in ClinVar:

ClinVar aggregate classification (germline): Conflicting classifications of pathogenicity. Review status: criteria provided, conflicting classifications (1 of 4 stars). 7 submissions from 7 submitters: Uncertain significance (5); Likely benign (1). 1 of the submissions does not count toward it. Last evaluated 2026-01-27.

Conditions:
Bartter disease type 1. Also called: HYPERPROSTAGLANDIN E SYNDROME 1; HYPOKALEMIC ALKALOSIS WITH HYPERCALCIURIA 1, ANTENATAL; Bartter syndrome, type 1, antenatal; Bartter Syndrome type 1. Identifiers: Orphanet 112, Orphanet 620217, MedGen C1866495, MONDO:0100344, OMIM 601678, MONDO:0011127.
SLC12A1-related disorder. Also called: SLC12A1-related condition.

Allele frequency attached by ClinVar (database versions not stated): TOPMed 0.00083; 1000 Genomes Project 30x 0.00094; 1000 Genomes Project 0.00100; gnomAD 0.00103 and 0.00104; ExAC 0.00109; ESP Exome Variant Server 0.00146.
gnomAD v4.1: 2,299 of 1,613,410 alleles (0.14%); highest among the groups gnomAD compares: South Asian, 0.19%; 5 homozygotes.

Submissions (7):

Labcorp Genetics (formerly Invitae), Labcorp
Classification: Likely benign. Last evaluated: 2026-01-27. Review status: criteria provided, single submitter. Criteria: Invitae Variant Classification Sherloc (09022015). Collection method: clinical testing. Allele origin: germline.

GeneDx
Classification: Uncertain significance. Last evaluated: 2023-07-24. Review status: criteria provided, single submitter. Criteria: GeneDx Variant Classification Process June 2021. Collection method: clinical testing. Allele origin: germline. Affected: yes.
Comment: In silico analysis supports that this missense variant does not alter protein structure/function; This variant is associated with the following publications: (PMID: 30755392)

Fulgent Genetics
Classification: Uncertain significance for Bartter disease type 1. Last evaluated: 2022-05-06. Review status: criteria provided, single submitter. Criteria: ACMG Guidelines, 2015. Collection method: clinical testing. Allele origin: unknown.

Department of Pathology and Laboratory Medicine, Sinai Health System
Classification: Uncertain significance for Bartter disease type 1. Last evaluated: 2021-07-30. Review status: criteria provided, single submitter. Criteria: ACMG Guidelines, 2015. Collection method: research. Allele origin: germline.

Center for Personalized Medicine, Children's Hospital Los Angeles
Classification: Uncertain significance. Last evaluated: 2018-11-19. Review status: criteria provided, single submitter. Criteria: ACMG Guidelines, 2015. Collection method: clinical testing. Allele origin: germline. Affected: yes.

Illumina Laboratory Services, Illumina
Classification: Uncertain significance for Bartter disease type 1. Last evaluated: 2018-01-13. Review status: criteria provided, single submitter. Criteria: ICSL Variant Classification Criteria 13 December 2019. Collection method: clinical testing. Allele origin: germline.

PreventionGenetics, part of Exact Sciences
Classification: Likely benign for SLC12A1-related condition. Last evaluated: 2023-11-06. Review status: no assertion criteria provided. Collection method: clinical testing. Allele origin: germline. Not counted in ClinVar's aggregate classification.
Comment: This variant is classified as likely benign based on ACMG/AMP sequence variant interpretation guidelines (Richards et al. 2015 PMID: 25741868, with internal and published modifications).

NM_000338.3(SLC12A1):c.2255C>T (p.Ala752Val)

Gene: SLC12A1 (solute carrier family 12 member 1; plus strand). Cytogenetic location: 15q21.1.
Variant type: single nucleotide variant.
Coding change: c.2255C>T on transcript NM_000338.3 (MANE Select); coding-DNA position 2255, C replaced by T.
Protein change: p.Ala752Val; replaces alanine 752 with valine.
Molecular consequence: missense variant.
Genome position (GRCh38, 1-based): chr15:48,267,661, C>T. VCF-style: chr15-48267661-C-T. GRCh37 (hg19) VCF-style: chr15-48559858-C-T.
Other names: c.2255C>T, p.Ala752Val (NM_001184832.2); short protein forms A752V.
Identifiers: ClinVar variation 316268 (VCV000316268.19), dbSNP rs137893258, ClinGen allele CA7547328.
Genomic context (GRCh38, chr15:48,267,661, plus strand): 5'-TGGCGAAAAAACAGGCCTGGCTTATAAAGAACAAAATCAAGGCTTTTTATGCTGCAGTGG[C>T]GGCAGACTGTTTCAGGGATGGTGTCCGAAGTCTTCTTCAGGTAAGGCTGCATTGAGGGAA-3'
Protein context (NP_000329.2, residues 742-762): NKIKAFYAAV[Ala752Val]ADCFRDGVRS